The following is an entry in ClinVar:

NM_201384.3(PLEC):c.11069G>A (p.Gly3690Asp)

Gene: PLEC (plectin; minus strand). Cytogenetic location: 8q24.3.
Variant type: single nucleotide variant.
Coding change: c.11069G>A on transcript NM_201384.3 (MANE Select); coding-DNA position 11069, G replaced by A.
Protein change: p.Gly3690Asp; replaces glycine 3690 with aspartic acid.
Molecular consequence: missense variant.
Genome position (GRCh38, 1-based): chr8:143,918,752, C>T on the plus strand (G>A on the coding strand, the complement: PLEC is on the minus strand). VCF-style: chr8-143918752-C-T. GRCh37 (hg19) VCF-style: chr8-144992920-C-T.
Other names: c.11150G>A, p.Gly3717Asp (NM_000445.5); c.7769G>A, p.Gly2590Asp (NM_001410941.1); c.11027G>A, p.Gly3676Asp (NM_201378.4); c.11003G>A, p.Gly3668Asp (NM_201379.3); c.11480G>A, p.Gly3827Asp (NM_201380.4); c.10973G>A, p.Gly3658Asp (NM_201381.3); c.11069G>A, p.Gly3690Asp (NM_201382.4); c.11081G>A, p.Gly3694Asp (NM_201383.3); short protein forms G2590D, G3668D, G3690D, G3717D, G3658D, G3827D, G3676D, G3694D.
Identifiers: ClinVar variation 2043182 (VCV002043182.4), dbSNP rs1430935816, ClinGen allele CA372494603.

ClinVar aggregate classification (germline): Uncertain significance (1 of 4 stars; one submission).

Conditions:
Epidermolysis bullosa simplex 5B, with muscular dystrophy (EBS5B). Also called: Epidermolysis bullosa simplex with muscular dystrophy; EPIDERMOLYSIS BULLOSA SIMPLEX AND LIMB-GIRDLE MUSCULAR DYSTROPHY. Identifiers: Orphanet 257, MedGen C2931072, MONDO:0009181, OMIM 226670.
Epidermolysis bullosa simplex, Ogna type (EBS5A). Also called: Pidermolysis bullosa simplex 5A, Ogna type; EPIDERMOLYSIS BULLOSA SIMPLEX 5A, OGNA TYPE. Identifiers: Orphanet 79401, MedGen C0432317, MONDO:0007555, OMIM 131950.
Epidermolysis bullosa simplex 5C, with pyloric atresia (EBS5C). Also called: PLEC-Related Epidermolysis Bullosa with Pyloric Atresia; Epidermolysis bullosa simplex with pyloric atresia; PLEC1-Related Epidermolysis Bullosa with Pyloric Atresia. Identifiers: Orphanet 158684, MedGen C2677349, MONDO:0012807, OMIM 612138.
Autosomal recessive limb-girdle muscular dystrophy type 2Q (LGMDR17). Also called: MUSCULAR DYSTROPHY, LIMB-GIRDLE, AUTOSOMAL RECESSIVE 17. Identifiers: Orphanet 254361, MedGen C3150989, MONDO:0013390, OMIM 613723.
Epidermolysis bullosa simplex with nail dystrophy (EBS5D). Identifiers: MedGen C4225309, MONDO:0014661, OMIM 616487.

Allele frequency attached by ClinVar (database versions not stated): gnomAD exomes below 0.00001.

Submission:

Labcorp Genetics (formerly Invitae), Labcorp
Classification: Uncertain significance for Autosomal recessive limb-girdle muscular dystrophy type 2Q; Epidermolysis bullosa simplex, Ogna type; Epidermolysis bullosa simplex with nail dystrophy; Epidermolysis bullosa simplex 5C, with pyloric atresia; Epidermolysis bullosa simplex 5B, with muscular dystrophy. Last evaluated: 2024-04-02. Review status: criteria provided, single submitter. Criteria: Invitae Variant Classification Sherloc (09022015). Collection method: clinical testing. Allele origin: germline.
Comment: This sequence change replaces glycine, which is neutral and non-polar, with aspartic acid, which is acidic and polar, at codon 3717 of the PLEC protein (p.Gly3717Asp). This variant is present in population databases (no rsID available, gnomAD 0.007%). This variant has not been reported in the literature in individuals affected with PLEC-related conditions. ClinVar contains an entry for this variant (Variation ID: 2043182). An algorithm developed to predict the effect of missense changes on protein structure and function (PolyPhen-2) suggests that this variant is likely to be disruptive. In summary, the available evidence is currently insufficient to determine the role of this variant in disease. Therefore, it has been classified as a Variant of Uncertain Significance.